The following is an entry in ClinVar:

NM_002971.6(SATB1):c.1139G>A (p.Arg380His)

Gene: SATB1 (SATB homeobox 1; minus strand). Cytogenetic location: 3p24.3.
Variant type: single nucleotide variant.
Coding change: c.1139G>A on transcript NM_002971.6 (MANE Select); coding-DNA position 1139, G replaced by A.
Protein change: p.Arg380His; replaces arginine 380 with histidine.
Molecular consequence: missense variant.
Genome position (GRCh38, 1-based): chr3:18,394,529, C>T on the plus strand (G>A on the coding strand, the complement: SATB1 is on the minus strand). VCF-style: chr3-18394529-C-T. GRCh37 (hg19) VCF-style: chr3-18436021-C-T.
Other names: c.1139G>A, p.Arg380His (NM_001195470.3, NM_001131010.4, NM_001322871.2 and 4 more transcripts); c.923G>A, p.Arg308His (NM_001322876.2); c.1139G>A (NM_001195470.2); short protein forms R308H, R380H.
Identifiers: ClinVar variation 1325808 (VCV001325808.3), dbSNP rs2125115633, ClinGen allele CA351855818.
Genomic context (GRCh38, chr3:18,394,529, plus strand): 5'-CTGTTAAAAGCCACACGTGCAAATACCGCCTGGGAGATTCCTGCTCGTTTCAGTTCATCG[C>T]GTACCCACTGGTAGATTTCGGAAGACACCTCTGTGTTGGTCGAAACCTGTTGCTCCAAAG-3'
Protein context (NP_002962.1, residues 370-390): EVSSEIYQWV[Arg380His]DELKRAGISQ

ClinVar aggregate classification (germline): Uncertain significance. Review status: criteria provided, multiple submitters, no conflicts (2 of 4 stars). 2 submissions from 2 submitters: Uncertain significance (2). Last evaluated 2026-04-16.

Conditions:
Kohlschutter-Tonz syndrome-like. Also called: DEN HOED-DE BOER-VOISIN SYNDROME. Identifiers: MedGen C5543202, MONDO:0030990, OMIM 619229.
SATB1-related disorder. Also called: SATB1-related condition.

Submissions (2):

PreventionGenetics, part of Exact Sciences
Classification: Uncertain significance for SATB1-related condition. Last evaluated: 2026-04-16. Review status: criteria provided, single submitter. Criteria: ACMG Guidelines, 2015. Collection method: clinical testing. Allele origin: germline.
Comment: The SATB1 c.1139G>A variant is predicted to result in the amino acid substitution p.Arg380His. To our knowledge, this variant has not been reported in the literature or in a large population database (gnomAD), indicating this variant is rare. At this time, the clinical significance of this variant is uncertain due to the absence of conclusive functional and genetic evidence.

Institute of Human Genetics, University of Leipzig Medical Center
Classification: Uncertain significance for Kohlschutter-Tonz syndrome-like. Last evaluated: 2021-10-06. Review status: criteria provided, single submitter. Criteria: ACMG Guidelines, 2015. Collection method: clinical testing. Allele origin: unknown. Affected: yes.
Comment: _x000D_ Criteria applied: PM1, PM2_SUP, PP2, PP3